The following is an entry in ClinVar:

ClinVar aggregate classification (germline): Pathogenic (1 of 4 stars; one submission).

Conditions:
Hereditary insensitivity to pain with anhidrosis (CIPA). Also called: INSENSITIVITY TO PAIN, CONGENITAL, WITH ANHIDROSIS; FAMILIAL DYSAUTONOMIA, TYPE II; HSAN Type IV; NTRK1 Congenital Insensitivity to Pain with Anhidrosis; hereditary sensory and autonomic neuropathy type 4; NEUROPATHY, CONGENITAL SENSORY, WITH ANHIDROSIS. Identifiers: Orphanet 642, MedGen C0020074, MONDO:0009746, OMIM 256800.

Submission:

3billion
Classification: Pathogenic for Hereditary insensitivity to pain with anhidrosis. Last evaluated: 2024-10-31. Review status: criteria provided, single submitter. Criteria: ACMG Guidelines, 2015. Collection method: clinical testing. Allele origin: germline. Affected: yes.
Comment: The variant is observed at an extremely low frequency in the gnomAD v4.1.0 dataset (total allele frequency: <0.001%). Predicted Consequence/Location: Stop-gained (nonsense): predicted to result in a loss or disruption of normal protein function through nonsense-mediated decay (NMD) or protein truncation. Multiple pathogenic variants are reported downstream of the variant. Therefore, this variant is classified as Pathogenic according to the recommendation of ACMG/AMP guideline.

NM_002529.4(NTRK1):c.1483C>T (p.Gln495Ter)

Gene: NTRK1 (neurotrophic receptor tyrosine kinase 1; plus strand). Cytogenetic location: 1q23.1.
Variant type: single nucleotide variant.
Coding change: c.1483C>T on transcript NM_002529.4 (MANE Select); coding-DNA position 1483, C replaced by T.
Protein change: p.Gln495Ter; replaces glutamine 495 with a stop codon.
Molecular consequence: nonsense.
Genome position (GRCh38, 1-based): chr1:156,875,648, C>T. VCF-style: chr1-156875648-C-T. GRCh37 (hg19) VCF-style: chr1-156845440-C-T.
Other names: c.1375C>T, p.Gln459Ter (NM_001007792.1); c.1465C>T, p.Gln489Ter (NM_001012331.2); short protein forms Q459*, Q489*, Q495*.
Identifiers: ClinVar variation 4292595 (VCV004292595.1).